The following is an entry in ClinVar:

NM_144997.7(FLCN):c.1474A>G (p.Asn492Asp)

Gene: FLCN (folliculin; minus strand). Cytogenetic location: 17p11.2.
Variant type: single nucleotide variant.
Coding change: c.1474A>G on transcript NM_144997.7 (MANE Select); coding-DNA position 1474, A replaced by G.
Protein change: p.Asn492Asp; replaces asparagine 492 with aspartic acid.
Molecular consequence: missense variant.
Genome position (GRCh38, 1-based): chr17:17,215,049, T>C on the plus strand (A>G on the coding strand, the complement: FLCN is on the minus strand). VCF-style: chr17-17215049-T-C. GRCh37 (hg19) VCF-style: chr17-17118363-T-C.
Other names: c.1528A>G, p.Asn510Asp (NM_001353229.2); c.1474A>G, p.Asn492Asp (NM_001353230.2, NM_001353231.2); short protein forms N510D, N492D.
Identifiers: ClinVar variation 2562234 (VCV002562234.2), dbSNP rs2544141838, ClinGen allele CA398530925.

ClinVar aggregate classification (germline): Uncertain significance (1 of 4 stars; one submission).

Conditions:
Hereditary cancer-predisposing syndrome. Also called: Neoplastic Syndromes, Hereditary; Hereditary Cancer Syndrome; Hereditary neoplastic syndrome; Tumor predisposition. Identifiers: Orphanet 140162, MedGen C0027672, MeSH D009386, MONDO:0015356.

Allele frequency attached by ClinVar (database versions not stated): gnomAD exomes below 0.00001.

Submission:

Ambry Genetics
Classification: Uncertain significance for Hereditary cancer-predisposing syndrome. Last evaluated: 2023-05-05. Review status: criteria provided, single submitter. Criteria: Ambry Variant Classification Scheme 2023. Collection method: clinical testing. Allele origin: germline.
Comment: The p.N492D variant (also known as c.1474A>G), located in coding exon 10 of the FLCN gene, results from an A to G substitution at nucleotide position 1474. The asparagine at codon 492 is replaced by aspartic acid, an amino acid with highly similar properties. This amino acid position is conserved. In addition, the in silico prediction for this alteration is inconclusive. Since supporting evidence is limited at this time, the clinical significance of this alteration remains unclear.